The following is an entry in ClinVar:

ClinVar aggregate classification (germline): Conflicting classifications of pathogenicity. Review status: criteria provided, conflicting classifications (1 of 4 stars). 4 submissions from 4 submitters: Uncertain significance (1); Likely benign (3). Last evaluated 2025-12-21.

Conditions:
Cardiomyopathy-hypotonia-lactic acidosis syndrome (MPCD). Identifiers: Orphanet 91130, MedGen C1835845, MONDO:0012557, OMIM 610773.

Allele frequency attached by ClinVar (database versions not stated): gnomAD exomes 0.00004 and 0.00010; gnomAD 0.00006; TOPMed 0.00007; ExAC 0.00011; ESP Exome Variant Server 0.00023.

Submissions (4):

Labcorp Genetics (formerly Invitae), Labcorp
Classification: Likely benign. Last evaluated: 2025-12-21. Review status: criteria provided, single submitter. Criteria: Invitae Variant Classification Sherloc (09022015). Collection method: clinical testing. Allele origin: germline.

Mayo Clinic Laboratories, Mayo Clinic
Classification: Likely benign. Last evaluated: 2025-05-07. Review status: criteria provided, single submitter. Criteria: ACMG Guidelines, 2015. Collection method: clinical testing. Allele origin: germline. Observed: 1 variant allele.
Comment: BS1, BP4, BP7

Blueprint Genetics
Classification: Likely benign. Last evaluated: 2024-11-23. Review status: criteria provided, single submitter. Criteria: ACMG Guidelines, 2015. Collection method: clinical testing. Allele origin: germline.

Illumina Laboratory Services, Illumina
Classification: Uncertain significance for Cardiomyopathy-hypotonia-lactic acidosis syndrome. Last evaluated: 2017-04-27. Review status: criteria provided, single submitter. Criteria: ICSL Variant Classification Criteria 13 December 2019. Collection method: clinical testing. Allele origin: germline.

NM_002635.4(SLC25A3):c.61C>T (p.Leu21=)

Gene: SLC25A3 (solute carrier family 25 member 3; plus strand). Cytogenetic location: 12q23.1.
Variant type: single nucleotide variant.
Coding change: c.61C>T on transcript NM_002635.4 (MANE Select); coding-DNA position 61, C replaced by T.
Protein change: p.Leu21=; no amino-acid change (leucine 21 retained).
Molecular consequence: synonymous variant.
Genome position (GRCh38, 1-based): chr12:98,594,039, C>T. VCF-style: chr12-98594039-C-T. GRCh37 (hg19) VCF-style: chr12-98987817-C-T.
Other names: p.Leu21=; c.61C>T, p.Leu21= (NM_005888.4, NM_213611.3).
Identifiers: ClinVar variation 880645 (VCV000880645.10), dbSNP rs148667033, ClinGen allele CA6732794.